The following is an entry in ClinVar:

NM_001349253.2(SCN11A):c.648C>G (p.Ile216Met)

Gene: SCN11A (sodium voltage-gated channel alpha subunit 11; minus strand). Cytogenetic location: 3p22.2.
Variant type: single nucleotide variant.
Coding change: c.648C>G on transcript NM_001349253.2 (MANE Select); coding-DNA position 648, C replaced by G.
Protein change: p.Ile216Met; replaces isoleucine 216 with methionine.
Molecular consequence: missense variant.
Genome position (GRCh38, 1-based): chr3:38,925,479, G>C on the plus strand (C>G on the coding strand, the complement: SCN11A is on the minus strand). VCF-style: chr3-38925479-G-C. GRCh37 (hg19) VCF-style: chr3-38966970-G-C.
Other names: c.648C>G, p.Ile216Met (NM_014139.3); short protein forms I216M.
Identifiers: ClinVar variation 1510569 (VCV001510569.6), dbSNP rs1189932072, ClinGen allele CA352173374.
Genomic context (GRCh38, chr3:38,925,479, plus strand): 5'-AACTACTGAAATTGCTTTCAAAGCTCTGAACACACGGAAGGTACGCAGGGGCAATAGTTT[G>C]ATGGTGATTCCTGGAATATATGACACAATCCTACAAGACAAAGCACAGGGAAGGCATGGG-3'
Protein context (NP_001336182.1, residues 206-226): AIVSYIPGIT[Ile216Met]KLLPLRTFRV

ClinVar aggregate classification (germline): Uncertain significance (1 of 4 stars; one submission).

Conditions:
Hereditary sensory and autonomic neuropathy type 7. Also called: Neuropathy, hereditary sensory and autonomic, type VII; HSAN VII. Identifiers: Orphanet 391397, MedGen C3809882, MONDO:0014244, OMIM 615548.
Familial episodic pain syndrome with predominantly lower limb involvement. Also called: Episodic pain syndrome, familial, 3. Identifiers: Orphanet 391384, Orphanet 391392, MedGen C3809899, MONDO:0014247, OMIM 615552.

Allele frequency attached by ClinVar (database versions not stated): TOPMed below 0.00001; gnomAD 0.00001; gnomAD exomes 0.00001.
gnomAD v4.1: 12 of 1,613,520 alleles (0.00074%); highest among the groups gnomAD compares: Non-Finnish European, 0.00076%; no homozygotes.

Submission:

Labcorp Genetics (formerly Invitae), Labcorp
Classification: Uncertain significance for Familial episodic pain syndrome with predominantly lower limb involvement; Hereditary sensory and autonomic neuropathy type 7. Last evaluated: 2021-09-21. Review status: criteria provided, single submitter. Criteria: Invitae Variant Classification Sherloc (09022015). Collection method: clinical testing. Allele origin: germline.
Comment: In summary, the available evidence is currently insufficient to determine the role of this variant in disease. Therefore, it has been classified as a Variant of Uncertain Significance. Algorithms developed to predict the effect of missense changes on protein structure and function (SIFT, PolyPhen-2, Align-GVGD) all suggest that this variant is likely to be tolerated. This sequence change replaces isoleucine with methionine at codon 216 of the SCN11A protein (p.Ile216Met). The isoleucine residue is weakly conserved and there is a small physicochemical difference between isoleucine and methionine. This variant is not present in population databases (ExAC no frequency). This variant has not been reported in the literature in individuals affected with SCN11A-related conditions.